The following is an entry in ClinVar:

NM_005477.3(HCN4):c.1085G>A (p.Arg362His)

Genes: HCN4 (hyperpolarization activated cyclic nucleotide gated potassium channel 4; minus strand), LOC105370890 (uncharacterized LOC105370890; plus strand), LOC126862173 (CDK7 strongly-dependent group 2 enhancer GRCh37_chr15:73635762-73636961; plus strand). Cytogenetic location: 15q24.1.
Variant type: single nucleotide variant.
Coding change: c.1085G>A on transcript NM_005477.3 (MANE Select); coding-DNA position 1085, G replaced by A.
Protein change: p.Arg362His; replaces arginine 362 with histidine.
Molecular consequence: missense variant.
Genome position (GRCh38, 1-based): chr15:73,343,509, C>T on the plus strand (G>A on the coding strand, the complement: HCN4 is on the minus strand). VCF-style: chr15-73343509-C-T. GRCh37 (hg19) VCF-style: chr15-73635850-C-T.
Other names: c.1085G>A (NM_005477.2); short protein forms R362H.
Identifiers: ClinVar variation 2117824 (VCV002117824.5), dbSNP rs2549074760, ClinGen allele CA393094881.

ClinVar aggregate classification (germline): Uncertain significance. Review status: criteria provided, multiple submitters, no conflicts (2 of 4 stars). 2 submissions from 2 submitters: Uncertain significance (2). Last evaluated 2025-04-12.

Conditions:
Cardiovascular phenotype. Identifiers: MedGen CN230736.
Brugada syndrome 8 (BRGDA8). Identifiers: Orphanet 130, MedGen C2751083, MONDO:0013148, OMIM 613123.

Submissions (2):

Ambry Genetics
Classification: Uncertain significance for Cardiovascular phenotype. Last evaluated: 2025-04-12. Review status: criteria provided, single submitter. Criteria: Ambry Variant Classification Scheme 2023. Collection method: clinical testing. Allele origin: germline.

Labcorp Genetics (formerly Invitae), Labcorp
Classification: Uncertain significance for Brugada syndrome 8. Last evaluated: 2022-11-08. Review status: criteria provided, single submitter. Criteria: Invitae Variant Classification Sherloc (09022015). Collection method: clinical testing. Allele origin: germline.
Comment: This variant is not present in population databases (gnomAD no frequency). This variant has not been reported in the literature in individuals affected with HCN4-related conditions. Advanced modeling of protein sequence and biophysical properties (such as structural, functional, and spatial information, amino acid conservation, physicochemical variation, residue mobility, and thermodynamic stability) performed at Invitae indicates that this missense variant is not expected to disrupt HCN4 protein function. In summary, the available evidence is currently insufficient to determine the role of this variant in disease. Therefore, it has been classified as a Variant of Uncertain Significance. This sequence change replaces arginine, which is basic and polar, with histidine, which is basic and polar, at codon 362 of the HCN4 protein (p.Arg362His).